The following is an entry in ClinVar:

ClinVar aggregate classification (germline): Likely benign (1 of 4 stars; one submission).

Allele frequency attached by ClinVar (database versions not stated): gnomAD exomes 0.04500; gnomAD 0.04654; TOPMed 0.04967; 1000 Genomes Project 0.06410; 1000 Genomes Project 30x 0.06558.

Submission:

GeneDx
Classification: Likely benign. Last evaluated: 2021-05-18. Review status: criteria provided, single submitter. Criteria: GeneDx Variant Classification Process June 2021. Collection method: clinical testing. Allele origin: germline. Affected: yes.
Comment: See Variant Classification Assertion Criteria.

NC_000014.9:g.50944657G>T

Genes: PYGL (glycogen phosphorylase L; minus strand), LOC130055618 (ATAC-STARR-seq lymphoblastoid silent region 5734; plus strand). Cytogenetic location: 14q22.1.
Variant type: single nucleotide variant.
Genome position: GRCh38 VCF-style: chr14-50944657-G-T. GRCh37 (hg19) VCF-style: chr14-51411375-G-T.
Identifiers: ClinVar variation 1707099 (VCV001707099.3), dbSNP rs2297891, ClinGen allele CA260846877.
Genomic context (GRCh38, chr14:50,944,657, plus strand): 5'-GCCGGAGGGCAGAGGAAGTGCCCGGCCCCTCCCGAGGCTCTGGGGCCGCAGTGGGCTCGG[G>T]GGTGGGAGACGAGGTCCAAGCGCCGGCGAGACCCCTGCCAGCCCGGGACCTGGGCTCGGA-3'